The following is an entry in ClinVar:

ClinVar aggregate classification (germline): Uncertain significance (1 of 4 stars; one submission).

Allele frequency attached by ClinVar (database versions not stated): gnomAD exomes below 0.00001; TOPMed below 0.00001.
gnomAD v4.1: 2 of 1,614,110 alleles (0.00012%); highest among the groups gnomAD compares: Non-Finnish European, 0.00017%; no homozygotes.

Submission:

GeneDx
Classification: Uncertain significance. Last evaluated: 2020-02-14. Review status: criteria provided, single submitter. Criteria: GeneDx Variant Classification Process June 2021. Collection method: clinical testing. Allele origin: germline. Affected: yes.
Comment: Not observed in large population cohorts (Lek et al., 2016); In silico analysis supports that this missense variant has a deleterious effect on protein structure/function; Has not been previously published as pathogenic or benign to our knowledge

NM_001020658.2(PUM1):c.2126C>T (p.Ser709Phe)

Gene: PUM1 (pumilio RNA binding family member 1; minus strand). Cytogenetic location: 1p35.2.
Variant type: single nucleotide variant.
Coding change: c.2126C>T on transcript NM_001020658.2 (MANE Select); coding-DNA position 2126, C replaced by T.
Protein change: p.Ser709Phe; replaces serine 709 with phenylalanine.
Molecular consequence: missense variant.
Genome position (GRCh38, 1-based): chr1:30,964,871, G>A on the plus strand (C>T on the coding strand, the complement: PUM1 is on the minus strand). VCF-style: chr1-30964871-G-A. GRCh37 (hg19) VCF-style: chr1-31437718-G-A.
Other names: c.2126C>T, p.Ser709Phe (NM_014676.3); short protein forms S709F.
Identifiers: ClinVar variation 1197423 (VCV001197423.2), dbSNP rs1640555524, ClinGen allele CA339565867.
Genomic context (GRCh38, chr1:30,964,871, plus strand): 5'-TGTCCAATGGGGGTCAAGCTGCTCGATGTCCTCTTATAAAGGTCACTGCTGCCAGTCAGG[G>A]AGTCACGGCGGGAGCCACTGCCAGTGTTGGAGTTTGCAACTAAAATGGAATTAAAACAAT-3'
Protein context (NP_001018494.1, residues 699-719): SNTGSGSRRD[Ser709Phe]LTGSSDLYKR